The following is an entry in ClinVar:

ClinVar aggregate classification (germline): Benign/Likely benign. Review status: criteria provided, multiple submitters, no conflicts (2 of 4 stars). 2 submissions from 2 submitters: Benign (1); Likely benign (1). Last evaluated 2024-09-25.

Conditions:
Melanoma, cutaneous malignant, susceptibility to, 3. Also called: Cutaneous malignant melanoma 3. Identifiers: Orphanet 618, MedGen C1836892, MONDO:0012183, OMIM 609048.
Familial melanoma. Also called: Hereditary melanoma; Hereditary cutaneous melanoma. Identifiers: Orphanet 618, MedGen C1512419, MONDO:0018961.

Allele frequency attached by ClinVar (database versions not stated): gnomAD exomes below 0.00001.
gnomAD v4.1: 2 of 1,614,146 alleles (0.00012%); highest among the groups gnomAD compares: Non-Finnish European, 0.00017%; no homozygotes.

Submissions (2):

Myriad Genetics, Inc.
Classification: Benign for Melanoma, cutaneous malignant, susceptibility to, 3. Last evaluated: 2024-09-25. Review status: criteria provided, single submitter. Criteria: Myriad Autosomal Dominant, Autosomal Recessive and X-Linked Classification Criteria (2023). Collection method: clinical testing. Allele origin: unknown.
Comment: This variant is considered benign. This variant is a silent/synonymous amino acid change and it is not expected to impact splicing.

Labcorp Genetics (formerly Invitae), Labcorp
Classification: Likely benign for Familial melanoma. Last evaluated: 2019-09-12. Review status: criteria provided, single submitter. Criteria: Invitae Variant Classification Sherloc (09022015). Collection method: clinical testing. Allele origin: germline.

NM_000075.4(CDK4):c.444G>A (p.Val148=)

Gene: CDK4 (cyclin dependent kinase 4; minus strand). Cytogenetic location: 12q14.1.
Variant type: single nucleotide variant.
Coding change: c.444G>A on transcript NM_000075.4 (MANE Select); coding-DNA position 444, G replaced by A.
Protein change: p.Val148=; no amino-acid change (valine 148 retained).
Molecular consequence: synonymous variant.
Genome position (GRCh38, 1-based): chr12:57,751,001, C>T on the plus strand (G>A on the coding strand, the complement: CDK4 is on the minus strand). VCF-style: chr12-57751001-C-T. GRCh37 (hg19) VCF-style: chr12-58144784-C-T.
Identifiers: ClinVar variation 1109876 (VCV001109876.10), dbSNP rs1595110484, ClinGen allele CA480404477.